The following is an entry in ClinVar:

ClinVar aggregate classification (germline): Uncertain significance. Review status: criteria provided, multiple submitters, no conflicts (2 of 4 stars). 3 submissions from 3 submitters: Uncertain significance (3). Last evaluated 2023-04-11.

Conditions:
Microcephaly 5, primary, autosomal recessive (MCPH5). Also called: ASPM Primary Microcephaly. Identifiers: Orphanet 2512, MedGen C1837501, MONDO:0012106, OMIM 608716.

Allele frequency attached by ClinVar (database versions not stated): gnomAD exomes 0.00001 and below 0.00001; TOPMed below 0.00001.
gnomAD v4.1: 10 of 1,612,382 alleles (0.00062%); highest among the groups gnomAD compares: Non-Finnish European, 0.00076%; no homozygotes.

Submissions (3):

Genome-Nilou Lab
Classification: Uncertain significance for Microcephaly 5, primary, autosomal recessive. Last evaluated: 2023-04-11. Review status: criteria provided, single submitter. Criteria: ACMG Guidelines, 2015. Collection method: clinical testing. Allele origin: germline. Affected: no.

Labcorp Genetics (formerly Invitae), Labcorp
Classification: Uncertain significance. Last evaluated: 2021-09-17. Review status: criteria provided, single submitter. Criteria: Invitae Variant Classification Sherloc (09022015). Collection method: clinical testing. Allele origin: germline.
Comment: In summary, the available evidence is currently insufficient to determine the role of this variant in disease. Therefore, it has been classified as a Variant of Uncertain Significance. Algorithms developed to predict the effect of missense changes on protein structure and function are either unavailable or do not agree on the potential impact of this missense change (SIFT: "Deleterious"; PolyPhen-2: "Benign"; Align-GVGD: "Class C0"). This variant has not been reported in the literature in individuals affected with ASPM-related conditions. This variant is not present in population databases (ExAC no frequency). This sequence change replaces glycine with cysteine at codon 2156 of the ASPM protein (p.Gly2156Cys). The glycine residue is moderately conserved and there is a large physicochemical difference between glycine and cysteine.

Revvity Omics, Revvity
Classification: Uncertain significance for Microcephaly 5, primary, autosomal recessive. Last evaluated: 2020-09-03. Review status: criteria provided, single submitter. Criteria: ACMG Guidelines, 2015. Collection method: clinical testing. Allele origin: germline.

NM_018136.5(ASPM):c.6466G>T (p.Gly2156Cys)

Gene: ASPM (assembly factor for spindle microtubules; minus strand). Cytogenetic location: 1q31.3.
Variant type: single nucleotide variant.
Coding change: c.6466G>T on transcript NM_018136.5 (MANE Select); coding-DNA position 6466, G replaced by T.
Protein change: p.Gly2156Cys; replaces glycine 2156 with cysteine.
Molecular consequence: missense variant. On other transcripts: intron variant (1).
Genome position (GRCh38, 1-based): chr1:197,102,785, C>A on the plus strand (G>T on the coding strand, the complement: ASPM is on the minus strand). VCF-style: chr1-197102785-C-A. GRCh37 (hg19) VCF-style: chr1-197071915-C-A.
Other names: c.6466G>T (NM_018136.4); c.4066-6621G>T (NM_001206846.2); short protein forms G2156C.
Identifiers: ClinVar variation 1375337 (VCV001375337.11), dbSNP rs1267196794, ClinGen allele CA344022835.